The following is an entry in ClinVar:

NC_000001.10:g.(?_202920038)_(202920198_?)dup

Gene: ADIPOR1 (adiponectin receptor 1; minus strand). Cytogenetic location: 1q32.1.
Variant type: Duplication.
Identifiers: ClinVar variation 1447005 (VCV001447005.4).

ClinVar aggregate classification (germline): Uncertain significance (1 of 4 stars; one submission).

Submission:

Labcorp Genetics (formerly Invitae), Labcorp
Classification: Uncertain significance. Last evaluated: 2021-03-26. Review status: criteria provided, single submitter. Criteria: Invitae Variant Classification Sherloc (09022015). Collection method: clinical testing. Allele origin: germline.
Comment: This variant results in a copy number gain of the genomic region encompassing exon(s) 2 of the ADIPOR1 gene. This region includes the initiator codon of the gene. The 5' end of this event is unknown as it extends beyond the assayed region for this gene and therefore may encompass additional genes. The 3' boundary is likely confined to intron 2 of the ADIPOR1 gene. As the precise location of this event is unknown, it may be in tandem or it may be located elsewhere in the genome. This variant has not been reported in the literature in individuals with ADIPOR1-related conditions. In summary, the available evidence is currently insufficient to determine the role of this variant in disease. Therefore, it has been classified as a Variant of Uncertain Significance.